The following is an entry in ClinVar:

ClinVar aggregate classification (germline): Likely benign. Review status: criteria provided, multiple submitters, no conflicts (2 of 4 stars). 4 submissions from 4 submitters: Likely benign (4). Last evaluated 2025-12-15.

Conditions:
Combined immunodeficiency due to DOCK8 deficiency (HIES2). Also called: Hyper-IgE recurrent infection syndrome, autosomal recessive; HYPER-IgE RECURRENT INFECTION SYNDROME 2, AUTOSOMAL RECESSIVE; HIES autosomal recessive; HYPER-IgE SYNDROME 2, AUTOSOMAL RECESSIVE, WITH RECURRENT INFECTIONS; DOCK8 Deficiency. Identifiers: Orphanet 217390, MedGen C4722305, MONDO:0009478, OMIM 243700.

Allele frequency attached by ClinVar (database versions not stated): gnomAD 0.00001; gnomAD exomes 0.00003 and 0.00004; TOPMed 0.00003; ExAC 0.00005.
gnomAD v4.1: 51 of 1,614,028 alleles (0.0032%); highest among the groups gnomAD compares: Middle Eastern, 0.4%; no homozygotes.

Submissions (4):

Labcorp Genetics (formerly Invitae), Labcorp
Classification: Likely benign for Combined immunodeficiency due to DOCK8 deficiency. Last evaluated: 2025-12-15. Review status: criteria provided, single submitter. Criteria: Invitae Variant Classification Sherloc (09022015). Collection method: clinical testing. Allele origin: germline.

Blueprint Genetics
Classification: Likely benign. Last evaluated: 2024-11-15. Review status: criteria provided, single submitter. Criteria: ACMG Guidelines, 2015. Collection method: clinical testing. Allele origin: germline.

CeGaT Center for Human Genetics Tuebingen
Classification: Likely benign. Last evaluated: 2024-04-01. Review status: criteria provided, single submitter. Criteria: CeGaT Center For Human Genetics Tuebingen Variant Classification Criteria Version 2. Collection method: clinical testing. Allele origin: germline. Affected: yes. Observed: 1 variant allele.
Comment: DOCK8: BP4, BP7

GeneDx
Classification: Likely benign. Last evaluated: 2016-03-22. Review status: criteria provided, single submitter. Criteria: GeneDx Variant Classification (06012015). Collection method: clinical testing. Allele origin: germline. Affected: yes.
Comment: This variant is considered likely benign or benign based on one or more of the following criteria: it is a conservative change, it occurs at a poorly conserved position in the protein, it is predicted to be benign by multiple in silico algorithms, and/or has population frequency not consistent with disease.

NM_203447.4(DOCK8):c.870C>G (p.Leu290=)

Gene: DOCK8 (dedicator of cytokinesis 8; plus strand). Cytogenetic location: 9p24.3.
Variant type: single nucleotide variant.
Coding change: c.870C>G on transcript NM_203447.4 (MANE Select); coding-DNA position 870, C replaced by G.
Protein change: p.Leu290=; no amino-acid change (leucine 290 retained).
Molecular consequence: synonymous variant.
Genome position (GRCh38, 1-based): chr9:325,713, C>G. VCF-style: chr9-325713-C-G. GRCh37 (hg19) VCF-style: chr9-325713-C-G.
Other names: c.666C>G, p.Leu222= (NM_001190458.2, NM_001193536.2).
Identifiers: ClinVar variation 384357 (VCV000384357.31), dbSNP rs201244929, ClinGen allele CA4957494.